The following is an entry in ClinVar:

NM_000051.4(ATM):c.177del (p.Val60fs)

Gene: ATM (ATM serine/threonine kinase; plus strand). Cytogenetic location: 11q22.3.
Variant type: Deletion.
Coding change: c.177del on transcript NM_000051.4 (MANE Select); coding-DNA position 177, one base deleted (T; older notation c.177delT).
Protein change: p.Val60fs; shifts the reading frame from valine 60.
Molecular consequence: frameshift variant.
Genome position (GRCh38, 1-based): chr11:108,227,880, T deleted. VCF-style (leftmost placement, unchanged base first): chr11-108227879-CT-C. GRCh37 (hg19) VCF-style: chr11-108098606-CT-C.
Other names: c.177del, p.Val60fs (NM_001351834.2, NM_001351835.2, NM_001351836.2); short protein forms V60fs.
Identifiers: ClinVar variation 3640014 (VCV003640014.2).

ClinVar aggregate classification (germline): Pathogenic (1 of 4 stars; one submission).

Conditions:
Ataxia-telangiectasia syndrome (AT). Also called: ATAXIA-TELANGIECTASIA, COMPLEMENTATION GROUP A; ATAXIA-TELANGIECTASIA, FRESNO VARIANT; LOUIS-BAR SYNDROME; Cerebello-oculocutaneous telangiectasia; Immunodeficiency with ataxia telangiectasia; Ataxia-telangiectasia, complementation group E. Identifiers: Orphanet 100, MedGen C0004135, MONDO:0008840, OMIM 208900.

Submission:

Labcorp Genetics (formerly Invitae), Labcorp
Classification: Pathogenic for Ataxia-telangiectasia syndrome. Last evaluated: 2024-04-05. Review status: criteria provided, single submitter. Criteria: Invitae Variant Classification Sherloc (09022015). Collection method: clinical testing. Allele origin: germline.
Comment: This sequence change creates a premature translational stop signal (p.Val60Phefs*16) in the ATM gene. It is expected to result in an absent or disrupted protein product. Loss-of-function variants in ATM are known to be pathogenic (PMID: 23807571, 25614872). This variant is not present in population databases (gnomAD no frequency). This variant has not been reported in the literature in individuals affected with ATM-related conditions. For these reasons, this variant has been classified as Pathogenic.

Literature cited by the submitters: PubMed 23807571; PubMed 25614872.